The following is an entry in ClinVar:

NM_017534.6(MYH2):c.5152C>A (p.Arg1718Ser)

Genes: MYH2 (myosin heavy chain 2; minus strand), MYHAS (myosin heavy chain gene cluster antisense RNA; plus strand). Cytogenetic location: 17p13.1.
Variant type: single nucleotide variant.
Coding change: c.5152C>A on transcript NM_017534.6 (MANE Select); coding-DNA position 5152, C replaced by A.
Protein change: p.Arg1718Ser; replaces arginine 1718 with serine.
Molecular consequence: missense variant.
Genome position (GRCh38, 1-based): chr17:10,524,489, G>T on the plus strand (C>A on the coding strand, the complement: MYH2 is on the minus strand). VCF-style: chr17-10524489-G-T. GRCh37 (hg19) VCF-style: chr17-10427806-G-T.
Other names: c.5152C>A, p.Arg1718Ser (NM_001100112.2); short protein forms R1718S.
Identifiers: ClinVar variation 1345993 (VCV001345993.8), dbSNP rs1161860650, ClinGen allele CA398118838.

ClinVar aggregate classification (germline): Uncertain significance (1 of 4 stars; one submission).

Conditions:
Myopathy, proximal, and ophthalmoplegia (CMYO6). Also called: INCLUSION BODY MYOPATHY 3, AUTOSOMAL DOMINANT; MYOPATHY WITH CONGENITAL JOINT CONTRACTURES, OPHTHALMOPLEGIA, AND RIMMED VACUOLES; CONGENITAL MYOPATHY 6 WITH OPHTHALMOPLEGIA. Identifiers: Orphanet 363677, Orphanet 79091, MedGen C1854106, MONDO:0011577, OMIM 605637.

Submission:

Labcorp Genetics (formerly Invitae), Labcorp
Classification: Uncertain significance for Myopathy, proximal, and ophthalmoplegia. Last evaluated: 2022-01-06. Review status: criteria provided, single submitter. Criteria: Invitae Variant Classification Sherloc (09022015). Collection method: clinical testing. Allele origin: germline.
Comment: This sequence change replaces arginine, which is basic and polar, with serine, which is neutral and polar, at codon 1718 of the MYH2 protein (p.Arg1718Ser). This variant is not present in population databases (gnomAD no frequency). This variant has not been reported in the literature in individuals affected with MYH2-related conditions. Algorithms developed to predict the effect of missense changes on protein structure and function (SIFT, PolyPhen-2, Align-GVGD) all suggest that this variant is likely to be disruptive. In summary, the available evidence is currently insufficient to determine the role of this variant in disease. Therefore, it has been classified as a Variant of Uncertain Significance.